The following is an entry in ClinVar:

ClinVar aggregate classification (germline): Uncertain significance (1 of 4 stars; one submission).

Conditions:
Cardiovascular phenotype. Identifiers: MedGen CN230736.

Submission:

Ambry Genetics
Classification: Uncertain significance for Cardiovascular phenotype. Last evaluated: 2023-04-17. Review status: criteria provided, single submitter. Criteria: Ambry Variant Classification Scheme 2023. Collection method: clinical testing. Allele origin: germline.
Comment: The p.N7K variant (also known as c.21C>G), located in coding exon 1 of the KCNJ2 gene, results from a C to G substitution at nucleotide position 21. The asparagine at codon 7 is replaced by lysine, an amino acid with similar properties. This amino acid position is well conserved in available vertebrate species. In addition, this alteration is predicted to be tolerated by in silico analysis. Since supporting evidence is limited at this time, the clinical significance of this alteration remains unclear.

NM_000891.3(KCNJ2):c.21C>G (p.Asn7Lys)

Gene: KCNJ2 (potassium inwardly rectifying channel subfamily J member 2; plus strand). Cytogenetic location: 17q24.3.
Variant type: single nucleotide variant.
Coding change: c.21C>G on transcript NM_000891.3 (MANE Select); coding-DNA position 21, C replaced by G.
Protein change: p.Asn7Lys; replaces asparagine 7 with lysine.
Molecular consequence: missense variant.
Genome position (GRCh38, 1-based): chr17:70,175,060, C>G. VCF-style: chr17-70175060-C-G. GRCh37 (hg19) VCF-style: chr17-68171201-C-G.
Other names: short protein forms N7K.
Identifiers: ClinVar variation 2566712 (VCV002566712.2), dbSNP rs2074384101, ClinGen allele CA400859502.